The following is an entry in ClinVar:

NM_001077653.2(TBX20):c.1268A>G (p.His423Arg)

Gene: TBX20 (T-box transcription factor 20; minus strand). Cytogenetic location: 7p14.2.
Variant type: single nucleotide variant.
Coding change: c.1268A>G on transcript NM_001077653.2 (MANE Select); coding-DNA position 1268, A replaced by G.
Protein change: p.His423Arg; replaces histidine 423 with arginine.
Molecular consequence: missense variant.
Genome position (GRCh38, 1-based): chr7:35,202,506, T>C on the plus strand (A>G on the coding strand, the complement: TBX20 is on the minus strand). VCF-style: chr7-35202506-T-C. GRCh37 (hg19) VCF-style: chr7-35242118-T-C.
Other names: short protein forms H423R.
Identifiers: ClinVar variation 3719680 (VCV003719680.2).
Genomic context (GRCh38, chr7:35,202,506, plus strand): 5'-ATCACAGCAGAGGAATGGCGTAGTCCTTGAATGGCAGCATAGGGCCCCTGCTGAAAATAG[T>C]GATGGTATCGCGGCATGTGGAATGAAGGGAATGTGGGGCCACTCCCTTGCATGGAGCTGG-3'
Protein context (NP_001071121.1, residues 413-433): FPSFHMPRYH[His423Arg]YFQQGPYAAI

ClinVar aggregate classification (germline): Uncertain significance (1 of 4 stars; one submission).

gnomAD v4.1: 1 of 1,609,416 alleles (0.000062%); highest among the groups gnomAD compares: Middle Eastern, 0.017%; no homozygotes.

Submission:

Labcorp Genetics (formerly Invitae), Labcorp
Classification: Uncertain significance. Last evaluated: 2024-09-06. Review status: criteria provided, single submitter. Criteria: Invitae Variant Classification Sherloc (09022015). Collection method: clinical testing. Allele origin: germline.
Comment: This sequence change replaces histidine, which is basic and polar, with arginine, which is basic and polar, at codon 423 of the TBX20 protein (p.His423Arg). This variant is not present in population databases (gnomAD no frequency). This variant has not been reported in the literature in individuals affected with TBX20-related conditions. An algorithm developed to predict the effect of missense changes on protein structure and function (PolyPhen-2) suggests that this variant is likely to be tolerated. In summary, the available evidence is currently insufficient to determine the role of this variant in disease. Therefore, it has been classified as a Variant of Uncertain Significance.